The following is an entry in ClinVar:

ClinVar aggregate classification (germline): Pathogenic (1 of 4 stars; one submission).

Conditions:
Alagille syndrome due to a JAG1 point mutation. Also called: JAG1-Related Alagille Syndrome; Alagille Syndrome 1; HEPATIC DUCTULAR HYPOPLASIA, SYNDROMATIC. Identifiers: Orphanet 261619, Orphanet 52, MedGen C1956125, MONDO:0016862, OMIM 118450.

Submission:

Labcorp Genetics (formerly Invitae), Labcorp
Classification: Pathogenic for Alagille syndrome due to a JAG1 point mutation. Last evaluated: 2022-04-08. Review status: criteria provided, single submitter. Criteria: Invitae Variant Classification Sherloc (09022015). Collection method: clinical testing. Allele origin: germline.
Comment: This variant is not present in population databases (gnomAD no frequency). This sequence change creates a premature translational stop signal (p.Ile375Profs*3) in the JAG1 gene. It is expected to result in an absent or disrupted protein product. Loss-of-function variants in JAG1 are known to be pathogenic (PMID: 11180599). This variant has not been reported in the literature in individuals affected with JAG1-related conditions. ClinVar contains an entry for this variant (Variation ID: 970054). For these reasons, this variant has been classified as Pathogenic.

Literature cited by the submitters: PubMed 11180599.

NM_000214.3(JAG1):c.1121_1122insTCCT (p.Ile375fs)

Gene: JAG1 (jagged canonical Notch ligand 1; minus strand). Cytogenetic location: 20p12.2.
Variant type: Insertion.
Coding change: c.1121_1122insTCCT on transcript NM_000214.3 (MANE Select); coding-DNA positions 1121 to 1122, TCCT inserted.
Protein change: p.Ile375fs; shifts the reading frame from isoleucine 375.
Molecular consequence: frameshift variant.
Genome position: GRCh38 VCF-style: chr20-10650359-G-GAGGA. GRCh37 (hg19) VCF-style: chr20-10631007-G-GAGGA.
Other names: short protein forms I375fs.
Identifiers: ClinVar variation 970054 (VCV000970054.8), dbSNP rs2067337118, ClinGen allele CA1139665903.